The following is an entry in ClinVar:

ClinVar aggregate classification (germline): Uncertain significance (1 of 4 stars; one submission).

gnomAD v4.1: 16 of 1,600,702 alleles (0.001%); highest among the groups gnomAD compares: Non-Finnish European, 0.0014%; no homozygotes.

Submission:

Ambry Genetics
Classification: Uncertain significance. Last evaluated: 2025-11-15. Review status: criteria provided, single submitter. Criteria: Ambry Variant Classification Scheme 2023. Collection method: clinical testing. Allele origin: germline.
Comment: The p.A2018D variant (also known as c.6053C>A), located in coding exon 24 of the WNK2 gene, results from a C to A substitution at nucleotide position 6053. The alanine at codon 2018 is replaced by aspartic acid, an amino acid with dissimilar properties. This amino acid position is conserved. In addition, this alteration is predicted to be deleterious by in silico analysis. Based on the available evidence, the clinical significance of this variant remains unclear.

NM_006648.4(WNK2):c.6053C>A (p.Ala2018Asp)

Gene: WNK2 (WNK lysine deficient protein kinase 2; plus strand). Cytogenetic location: 9q22.31.
Variant type: single nucleotide variant.
Coding change: c.6053C>A on transcript NM_006648.4 (MANE Select); coding-DNA position 6053, C replaced by A.
Protein change: p.Ala2018Asp; replaces alanine 2018 with aspartic acid.
Molecular consequence: missense variant.
Genome position (GRCh38, 1-based): chr9:93,299,199, C>A. VCF-style: chr9-93299199-C-A. GRCh37 (hg19) VCF-style: chr9-96061481-C-A.
Other names: c.6164C>A, p.Ala2055Asp (NM_001282394.3); short protein forms A2055D, A2018D.
Identifiers: ClinVar variation 4605364 (VCV004605364.1).